The following is an entry in ClinVar:

ClinVar aggregate classification (germline): Uncertain significance (1 of 4 stars; one submission).

Submission:

Labcorp Genetics (formerly Invitae), Labcorp
Classification: Uncertain significance. Last evaluated: 2022-04-03. Review status: criteria provided, single submitter. Criteria: Invitae Variant Classification Sherloc (09022015). Collection method: clinical testing. Allele origin: germline.
Comment: Algorithms developed to predict the effect of missense changes on protein structure and function are either unavailable or do not agree on the potential impact of this missense change (SIFT: "Deleterious"; PolyPhen-2: "Probably Damaging"; Align-GVGD: "Class C0"). In summary, the available evidence is currently insufficient to determine the role of this variant in disease. Therefore, it has been classified as a Variant of Uncertain Significance. This variant has not been reported in the literature in individuals affected with ADGRV1-related conditions. This sequence change replaces leucine, which is neutral and non-polar, with arginine, which is basic and polar, at codon 3086 of the ADGRV1 protein (p.Leu3086Arg). This variant is not present in population databases (gnomAD no frequency).

NM_032119.4(ADGRV1):c.9257T>G (p.Leu3086Arg)

Gene: ADGRV1 (adhesion G protein-coupled receptor V1; plus strand). Cytogenetic location: 5q14.3.
Variant type: single nucleotide variant.
Coding change: c.9257T>G on transcript NM_032119.4 (MANE Select); coding-DNA position 9257, T replaced by G.
Protein change: p.Leu3086Arg; replaces leucine 3086 with arginine.
Molecular consequence: missense variant. On other transcripts: non-coding transcript variant (1).
Genome position (GRCh38, 1-based): chr5:90,716,539, T>G. VCF-style: chr5-90716539-T-G. GRCh37 (hg19) VCF-style: chr5-90012356-T-G.
Other names: short protein forms L3086R.
Identifiers: ClinVar variation 2118548 (VCV002118548.4), dbSNP rs2531210170, ClinGen allele CA360397170.